The following is an entry in ClinVar:

NM_006231.4(POLE):c.176A>C (p.Lys59Thr)

Gene: POLE (DNA polymerase epsilon, catalytic subunit; minus strand). Cytogenetic location: 12q24.33.
Variant type: single nucleotide variant.
Coding change: c.176A>C on transcript NM_006231.4 (MANE Select); coding-DNA position 176, A replaced by C.
Protein change: p.Lys59Thr; replaces lysine 59 with threonine.
Molecular consequence: missense variant.
Genome position (GRCh38, 1-based): chr12:132,681,166, T>G on the plus strand (A>C on the coding strand, the complement: POLE is on the minus strand). VCF-style: chr12-132681166-T-G. GRCh37 (hg19) VCF-style: chr12-133257752-T-G.
Other names: c.176A>C (NM_006231.2); short protein forms K59T.
Identifiers: ClinVar variation 1913831 (VCV001913831.6), dbSNP rs754654107, ClinGen allele CA246303403.

ClinVar aggregate classification (germline): Uncertain significance. Review status: criteria provided, multiple submitters, no conflicts (2 of 4 stars). 2 submissions from 2 submitters: Uncertain significance (2). Last evaluated 2026-02-16.

Conditions:
Hereditary cancer-predisposing syndrome. Also called: Tumor predisposition; Hereditary Cancer Syndrome; Hereditary neoplastic syndrome; Neoplastic Syndromes, Hereditary. Identifiers: Orphanet 140162, MedGen C0027672, MeSH D009386, MONDO:0015356.

Allele frequency attached by ClinVar (database versions not stated): gnomAD exomes 0.00001.
gnomAD v4.1: 9 of 1,614,122 alleles (0.00056%); highest among the groups gnomAD compares: Non-Finnish European, 0.00076%; no homozygotes.

Submissions (2):

Ambry Genetics
Classification: Uncertain significance for Hereditary cancer-predisposing syndrome. Last evaluated: 2026-02-16. Review status: criteria provided, single submitter. Criteria: Ambry Variant Classification Scheme 2023. Collection method: clinical testing. Allele origin: germline.
Comment: The p.K59T variant (also known as c.176A>C), located in coding exon 2 of the POLE gene, results from an A to C substitution at nucleotide position 176. The lysine at codon 59 is replaced by threonine, an amino acid with similar properties. This amino acid position is conserved. In addition, this alteration is predicted to be tolerated by in silico analysis. Based on the available evidence, the clinical significance of this variant remains unclear.

Labcorp Genetics (formerly Invitae), Labcorp
Classification: Uncertain significance. Last evaluated: 2022-03-07. Review status: criteria provided, single submitter. Criteria: Invitae Variant Classification Sherloc (09022015). Collection method: clinical testing. Allele origin: germline.
Comment: In summary, the available evidence is currently insufficient to determine the role of this variant in disease. Therefore, it has been classified as a Variant of Uncertain Significance. Algorithms developed to predict the effect of missense changes on protein structure and function are either unavailable or do not agree on the potential impact of this missense change (SIFT: "Deleterious"; PolyPhen-2: "Benign"; Align-GVGD: "Class C0"). This variant has not been reported in the literature in individuals affected with POLE-related conditions. This variant is not present in population databases (gnomAD no frequency). This sequence change replaces lysine, which is basic and polar, with threonine, which is neutral and polar, at codon 59 of the POLE protein (p.Lys59Thr).